The following is an entry in ClinVar:

NM_018344.6(SLC29A3):c.1246G>A (p.Ala416Thr)

Gene: SLC29A3 (solute carrier family 29 member 3; plus strand). Cytogenetic location: 10q22.1.
Variant type: single nucleotide variant.
Coding change: c.1246G>A on transcript NM_018344.6 (MANE Select); coding-DNA position 1246, G replaced by A.
Protein change: p.Ala416Thr; replaces alanine 416 with threonine.
Molecular consequence: missense variant. On other transcripts: 3 prime UTR variant (1), non-coding transcript variant (2).
Genome position (GRCh38, 1-based): chr10:71,362,426, G>A. VCF-style: chr10-71362426-G-A. GRCh37 (hg19) VCF-style: chr10-73122183-G-A.
Other names: c.*475G>A (NM_001174098.2); c.1012G>A, p.Ala338Thr (NM_001363518.2); short protein forms A416T, A338T.
Identifiers: ClinVar variation 2903090 (VCV002903090.2), dbSNP rs372271971, ClinGen allele CA5543166.

ClinVar aggregate classification (germline): Uncertain significance (1 of 4 stars; one submission).

Conditions:
H syndrome. Also called: HISTIOCYTOSIS AND LYMPHADENOPATHY WITH OR WITHOUT CUTANEOUS, CARDIAC, AND/OR ENDOCRINE FEATURES, JOINT CONTRACTURES, AND/OR DEAFNESS; HYPERPIGMENTATION, CUTANEOUS, WITH HYPERTRICHOSIS, HEPATOSPLENOMEGALY, HEART ANOMALIES, AND HYPOGONADISM WITH OR WITHOUT HEARING LOSS; PIGMENTED HYPERTRICHOSIS WITH INSULIN-DEPENDENT DIABETES MELLITUS; ROSAI-DORFMAN DISEASE, FAMILIAL; SINUS HISTIOCYTOSIS AND MASSIVE LYMPHADENOPATHY; Hyperpigmentation, Cutaneous, with Hypertrichosis, Hepatosplenomegaly, Heart Anomalies, Hearing Loss, and Hypogonadism. Identifiers: Orphanet 168569, MedGen C1864445, MONDO:0011273, OMIM 602782.

Allele frequency attached by ClinVar (database versions not stated): TOPMed 0.00002; gnomAD 0.00002; ESP Exome Variant Server 0.00008.
gnomAD v4.1: 25 of 1,613,980 alleles (0.0015%); highest among the groups gnomAD compares: South Asian, 0.016%; no homozygotes.

Submission:

Labcorp Genetics (formerly Invitae), Labcorp
Classification: Uncertain significance for H syndrome. Last evaluated: 2025-11-19. Review status: criteria provided, single submitter. Criteria: Invitae Variant Classification Sherloc (09022015). Collection method: clinical testing. Allele origin: germline.
Comment: This sequence change replaces alanine, which is neutral and non-polar, with threonine, which is neutral and polar, at codon 416 of the SLC29A3 protein (p.Ala416Thr). This variant is present in population databases (rs372271971, gnomAD 0.01%). This variant has not been reported in the literature in individuals affected with SLC29A3-related conditions. ClinVar contains an entry for this variant (Variation ID: 2903090). Invitae Evidence Modeling of protein sequence and biophysical properties (such as structural, functional, and spatial information, amino acid conservation, physicochemical variation, residue mobility, and thermodynamic stability) indicates that this missense variant is not expected to disrupt SLC29A3 protein function with a negative predictive value of 95%. In summary, the available evidence is currently insufficient to determine the role of this variant in disease. Therefore, it has been classified as a Variant of Uncertain Significance.